The following is an entry in ClinVar:

NM_005359.6(SMAD4):c.1560A>G (p.Glu520=)

Gene: SMAD4 (SMAD family member 4; plus strand). Cytogenetic location: 18q21.2.
Variant type: single nucleotide variant.
Coding change: c.1560A>G on transcript NM_005359.6 (MANE Select); coding-DNA position 1560, A replaced by G.
Protein change: p.Glu520=; no amino-acid change (glutamic acid 520 retained).
Molecular consequence: synonymous variant. On other transcripts: non-coding transcript variant (1).
Genome position (GRCh38, 1-based): chr18:51,078,368, A>G. VCF-style: chr18-51078368-A-G. GRCh37 (hg19) VCF-style: chr18-48604738-A-G.
Other names: c.1560A>G, p.Glu520= (NM_001407041.1, NM_001407042.1).
Identifiers: ClinVar variation 3903554 (VCV003903554.1).

ClinVar aggregate classification (germline): Benign (1 of 4 stars; one submission).

Conditions:
Juvenile polyposis/hereditary hemorrhagic telangiectasia syndrome (JPHT). Also called: JP/HHT SYNDROME; JUVENILE POLYPOSIS WITH HEREDITARY HEMORRHAGIC TELANGIECTASIA; POLYPOSIS, GENERALIZED JUVENILE, WITH PULMONARY ARTERIOVENOUS MALFORMATION; TELANGIECTASIA, HEREDITARY HEMORRHAGIC, WITH JUVENILE POLYPOSIS COLI; Juvenile Polyposis Syndrome / Hereditary Hemorrhagic Telangiectasia (JPS/HHT). Identifiers: Orphanet 2929, MedGen C1832942, MONDO:0008278, OMIM 175050.

gnomAD v4.1: 1 of 1,614,172 alleles (0.000062%); highest among the groups gnomAD compares: Non-Finnish European, 0.000085%; no homozygotes.

Submission:

Myriad Genetics, Inc.
Classification: Benign for Juvenile polyposis/hereditary hemorrhagic telangiectasia syndrome. Last evaluated: 2025-03-24. Review status: criteria provided, single submitter. Criteria: Myriad Autosomal Dominant, Autosomal Recessive and X-Linked Classification Criteria (2023). Collection method: clinical testing. Allele origin: unknown.
Comment: This variant is considered benign. This variant is a silent/synonymous amino acid change and it is not expected to impact splicing.